The following is an entry in ClinVar:

ClinVar aggregate classification (germline): Uncertain significance (1 of 4 stars; one submission).

gnomAD v4.1: 1 of 1,209,255 alleles (0.000083%); highest among the groups gnomAD compares: Non-Finnish European, 0.00011%; no homozygotes.

Submission:

Labcorp Genetics (formerly Invitae), Labcorp
Classification: Uncertain significance. Last evaluated: 2024-05-20. Review status: criteria provided, single submitter. Criteria: Invitae Variant Classification Sherloc (09022015). Collection method: clinical testing. Allele origin: germline.
Comment: This sequence change replaces proline, which is neutral and non-polar, with leucine, which is neutral and non-polar, at codon 607 of the CHM protein (p.Pro607Leu). This variant is not present in population databases (gnomAD no frequency). This variant has not been reported in the literature in individuals affected with CHM-related conditions. ClinVar contains an entry for this variant (Variation ID: 1438261). Advanced modeling of protein sequence and biophysical properties (such as structural, functional, and spatial information, amino acid conservation, physicochemical variation, residue mobility, and thermodynamic stability) performed at Invitae indicates that this missense variant is not expected to disrupt CHM protein function with a negative predictive value of 80%. In summary, the available evidence is currently insufficient to determine the role of this variant in disease. Therefore, it has been classified as a Variant of Uncertain Significance.

NM_000390.4(CHM):c.1820C>T (p.Pro607Leu)

Gene: CHM (CHM Rab escort protein; minus strand). Cytogenetic location: Xq21.2.
Variant type: single nucleotide variant.
Coding change: c.1820C>T on transcript NM_000390.4 (MANE Select); coding-DNA position 1820, C replaced by T.
Protein change: p.Pro607Leu; replaces proline 607 with leucine.
Molecular consequence: missense variant.
Genome position (GRCh38, 1-based): chrX:85,864,772, G>A on the plus strand (C>T on the coding strand, the complement: CHM is on the minus strand). VCF-style: chrX-85864772-G-A. GRCh37 (hg19) VCF-style: chrX-85119777-G-A.
Other names: c.1376C>T, p.Pro459Leu (NM_001320959.1, NM_001362517.1, NM_001362518.2 and 1 more transcripts); short protein forms P607L, P459L.
Identifiers: ClinVar variation 1438261 (VCV001438261.5), dbSNP rs2148112008, ClinGen allele CA413785390.